The following is an entry in ClinVar:

ClinVar aggregate classification (germline): Likely benign. Review status: criteria provided, multiple submitters, no conflicts (2 of 4 stars). 4 submissions from 4 submitters: Likely benign (3). 1 of the submissions does not count toward it. Last evaluated 2025-12-31.

Conditions:
Inborn genetic diseases. Identifiers: MedGen C0950123, MeSH D030342.
ANKRD26-related disorder. Also called: ANKRD26-related condition.

Allele frequency attached by ClinVar (database versions not stated): ExAC 0.00001; gnomAD exomes 0.00003; gnomAD 0.00004.
gnomAD v4.1: 56 of 1,610,684 alleles (0.0035%); highest among the groups gnomAD compares: Non-Finnish European, 0.0045%; no homozygotes.

Submissions (4):

Labcorp Genetics (formerly Invitae), Labcorp
Classification: Likely benign. Last evaluated: 2025-12-31. Review status: criteria provided, single submitter. Criteria: Invitae Variant Classification Sherloc (09022015). Collection method: clinical testing. Allele origin: germline.

Ambry Genetics
Classification: Likely benign for Inborn genetic diseases. Last evaluated: 2024-11-18. Review status: criteria provided, single submitter. Criteria: Ambry Variant Classification Scheme 2023. Collection method: clinical testing. Allele origin: germline.

Blueprint Genetics
Classification: Likely benign. Last evaluated: 2024-08-28. Review status: criteria provided, single submitter. Criteria: ACMG Guidelines, 2015. Collection method: clinical testing. Allele origin: germline.

PreventionGenetics, part of Exact Sciences
Classification: Likely benign for ANKRD26-related condition. Last evaluated: 2021-05-24. Review status: no assertion criteria provided. Collection method: clinical testing. Allele origin: germline. Not counted in ClinVar's aggregate classification.
Comment: This variant is classified as likely benign based on ACMG/AMP sequence variant interpretation guidelines (Richards et al. 2015 PMID: 25741868, with internal and published modifications).

NM_014915.3(ANKRD26):c.2403G>A (p.Lys801=)

Gene: ANKRD26 (ankyrin repeat domain 26; minus strand). Cytogenetic location: 10p12.1.
Variant type: single nucleotide variant.
Coding change: c.2403G>A on transcript NM_014915.3 (MANE Select); coding-DNA position 2403, G replaced by A.
Protein change: p.Lys801=; no amino-acid change (lysine 801 retained).
Molecular consequence: synonymous variant.
Genome position (GRCh38, 1-based): chr10:27,038,027, C>T on the plus strand (G>A on the coding strand, the complement: ANKRD26 is on the minus strand). VCF-style: chr10-27038027-C-T. GRCh37 (hg19) VCF-style: chr10-27326956-C-T.
Other names: c.2400G>A, p.Lys800= (NM_001256053.2).
Identifiers: ClinVar variation 2169160 (VCV002169160.8), dbSNP rs768732787, ClinGen allele CA5448227.